The following is an entry in ClinVar:

ClinVar aggregate classification (germline): Uncertain significance (1 of 4 stars; one submission).

Allele frequency attached by ClinVar (database versions not stated): gnomAD exomes below 0.00001 and 0.00001; ExAC 0.00001; gnomAD 0.00004; TOPMed 0.00004.

Submission:

Labcorp Genetics (formerly Invitae), Labcorp
Classification: Uncertain significance. Last evaluated: 2026-01-12. Review status: criteria provided, single submitter. Criteria: Invitae Variant Classification Sherloc (09022015). Collection method: clinical testing. Allele origin: germline.
Comment: This sequence change replaces lysine, which is basic and polar, with asparagine, which is neutral and polar, at codon 143 of the TMEM107 protein (p.Lys143Asn). This variant is present in population databases (rs750897292, gnomAD 0.01%). This variant has not been reported in the literature in individuals affected with TMEM107-related conditions. ClinVar contains an entry for this variant (Variation ID: 1494406). An algorithm developed to predict the effect of missense changes on protein structure and function (PolyPhen-2) suggests that this variant is likely to be disruptive. In summary, the available evidence is currently insufficient to determine the role of this variant in disease. Therefore, it has been classified as a Variant of Uncertain Significance.

NM_183065.4(TMEM107):c.411G>T (p.Lys137Asn)

Genes: TMEM107 (transmembrane protein 107; minus strand), LOC105371520 (uncharacterized LOC105371520; plus strand). Cytogenetic location: 17p13.1.
Variant type: single nucleotide variant.
Coding change: c.411G>T on transcript NM_183065.4 (MANE Select); coding-DNA position 411, G replaced by T.
Protein change: p.Lys137Asn; replaces lysine 137 with asparagine.
Molecular consequence: missense variant. On other transcripts: non-coding transcript variant (1).
Genome position (GRCh38, 1-based): chr17:8,174,215, C>A on the plus strand (G>T on the coding strand, the complement: TMEM107 is on the minus strand). VCF-style: chr17-8174215-C-A. GRCh37 (hg19) VCF-style: chr17-8077533-C-A.
Other names: c.408G>T, p.Lys136Asn (NM_001351278.2); c.390G>T, p.Lys130Asn (NM_001351279.2); c.213G>T, p.Lys71Asn (NM_001351280.2); c.429G>T, p.Lys143Asn (NM_032354.5); short protein forms K130N, K143N, K71N, K137N, K136N.
Identifiers: ClinVar variation 1494406 (VCV001494406.6), dbSNP rs750897292, ClinGen allele CA8370921.